The following is an entry in ClinVar:

NM_001943.5(DSG2):c.3256C>T (p.Pro1086Ser)

Genes: DSG2 (desmoglein 2; plus strand), DSG2-AS1 (DSG2 antisense RNA 1; minus strand). Cytogenetic location: 18q12.1.
Variant type: single nucleotide variant.
Coding change: c.3256C>T on transcript NM_001943.5 (MANE Select); coding-DNA position 3256, C replaced by T.
Protein change: p.Pro1086Ser; replaces proline 1086 with serine.
Molecular consequence: missense variant.
Genome position (GRCh38, 1-based): chr18:31,546,642, C>T. VCF-style: chr18-31546642-C-T. GRCh37 (hg19) VCF-style: chr18-29126605-C-T.
Other names: c.3256C>T (NM_001943.3); short protein forms P1086S.
Identifiers: ClinVar variation 921328 (VCV000921328.7), dbSNP rs2073313723, ClinGen allele CA402149134.
Genomic context (GRCh38, chr18:31,546,642, plus strand): 5'-GAAAATTCTATGACGGCTAGGAACACCACGGTGTCTGGAGCTGGAGTCCCTGGCCCTCTG[C>T]CAGATTTTGGTTTAGAGGAATCTGGTCATTCTAATTCTACCATAACCACATCTTCCACCA-3'
Protein context (NP_001934.2, residues 1076-1096): VSGAGVPGPL[Pro1086Ser]DFGLEESGHS

ClinVar aggregate classification (germline): Uncertain significance. Review status: criteria provided, multiple submitters, no conflicts (2 of 4 stars). 3 submissions from 3 submitters: Uncertain significance (3). Last evaluated 2026-06-15.

Conditions:
Cardiomyopathy (CMYO). Also called: Cardiomyopathies. Identifiers: Orphanet 167848, MedGen C0878544, MONDO:0004994, HP:0001638. Inheritance: Various modes of inheritance.
Cardiovascular phenotype. Identifiers: MedGen CN230736.
Arrhythmogenic right ventricular dysplasia 10. Also called: Arrhythmogenic Right Ventricular Dysplasia/Cardiomyopathy10; ARRHYTHMOGENIC RIGHT VENTRICULAR DYSPLASIA, FAMILIAL, 10; Arrhythmogenic right ventricular dysplasia/cardiomyopathy, type 10. Identifiers: MedGen C1857777, MONDO:0012434, OMIM 610193.

Allele frequency attached by ClinVar (database versions not stated): gnomAD exomes below 0.00001.

Submissions (3):

Ambry Genetics
Classification: Uncertain significance for Cardiovascular phenotype. Last evaluated: 2026-06-15. Review status: criteria provided, single submitter. Criteria: Ambry Variant Classification Scheme 2023. Collection method: clinical testing. Allele origin: germline.
Comment: The p.P1086S variant (also known as c.3256C>T), located in coding exon 15 of the DSG2 gene, results from a C to T substitution at nucleotide position 3256. The proline at codon 1086 is replaced by serine, an amino acid with similar properties. This amino acid position is conserved. In addition, this alteration is predicted to be tolerated by in silico analysis. Based on the available evidence, the clinical significance of this variant remains unclear.

Labcorp Genetics (formerly Invitae), Labcorp
Classification: Uncertain significance for Arrhythmogenic right ventricular dysplasia 10. Last evaluated: 2025-11-25. Review status: criteria provided, single submitter. Criteria: Invitae Variant Classification Sherloc (09022015). Collection method: clinical testing. Allele origin: germline.
Comment: This sequence change replaces proline, which is neutral and non-polar, with serine, which is neutral and polar, at codon 1086 of the DSG2 protein (p.Pro1086Ser). This variant is not present in population databases (gnomAD no frequency). This variant has not been reported in the literature in individuals affected with DSG2-related conditions. ClinVar contains an entry for this variant (Variation ID: 921328). Invitae Evidence Modeling of protein sequence and biophysical properties (such as structural, functional, and spatial information, amino acid conservation, physicochemical variation, residue mobility, and thermodynamic stability) indicates that this missense variant is not expected to disrupt DSG2 protein function with a negative predictive value of 95%. In summary, the available evidence is currently insufficient to determine the role of this variant in disease. Therefore, it has been classified as a Variant of Uncertain Significance.

Color Diagnostics, LLC DBA Color Health
Classification: Uncertain significance for Cardiomyopathy. Last evaluated: 2023-12-05. Review status: criteria provided, single submitter. Criteria: ACMG Guidelines, 2015. Collection method: clinical testing. Allele origin: germline.
Comment: Variant of Uncertain Significance due to insufficient evidence: This missense variant replaces proline with serine at codon 1086 of the DSG2 protein. Computational prediction tools and conservation analyses suggest that this variant may not impact the protein function. Computational splicing tools suggest that this variant may not impact RNA splicing. To our knowledge, functional assays have not been performed for this variant nor has this variant been reported in individuals affected with cardiovascular disorders in the literature. This variant is rare in the general population and has been identified in 0/277264 chromosomes by the Genome Aggregation Database (gnomAD). Available evidence is insufficient to determine the pathogenicity of this variant conclusively.